The following is an entry in ClinVar:

ClinVar aggregate classification (germline): Conflicting classifications of pathogenicity. Review status: criteria provided, conflicting classifications (1 of 4 stars). 12 submissions from 11 submitters: Uncertain significance (1); Benign (6); Likely benign (5). Last evaluated 2026-04-29.

Conditions:
Hereditary cancer-predisposing syndrome. Also called: Tumor predisposition; Hereditary neoplastic syndrome; Hereditary Cancer Syndrome; Neoplastic Syndromes, Hereditary. Identifiers: Orphanet 140162, MedGen C0027672, MeSH D009386, MONDO:0015356.
Cardiovascular phenotype. Identifiers: MedGen CN230736.
Neurofibromatosis, type 1 (NF1). Also called: NEUROFIBROMATOSIS, TYPE I, SOMATIC; VON RECKLINGHAUSEN DISEASE; Neurofibromatosis, type I; Peripheral type neurofibromatosis. Identifiers: Orphanet 636, MedGen C0027831, MONDO:0018975, OMIM 162200. Disease mechanism: loss of function.

Allele frequency attached by ClinVar (database versions not stated): ExAC 0.00041; gnomAD exomes 0.00100; gnomAD 0.00365 and 0.00387.
gnomAD v4.1: 967 of 1,307,288 alleles (0.074%); highest among the groups gnomAD compares: African/African-American, 1.3%; 12 homozygotes.

Submissions (12):

Dasa
Classification: Likely benign. Last evaluated: 2026-04-29. Review status: criteria provided, single submitter. Criteria: DASA Assertion Criteria. Collection method: clinical testing. Allele origin: germline.
Comment: NM_001042492.3(NF1):c.3198-4T>C is a splice-region variant predicted to affect normal RNA splicing. Multiple computational predictions suggest no deleterious effect on the gene or gene product. The variant is present at low frequency in population datasets. Based on the available data, this variant is classified as likely benign.

CeGaT Center for Human Genetics Tuebingen
Classification: Benign. Last evaluated: 2026-03-01. Review status: criteria provided, single submitter. Criteria: CeGaT Center For Human Genetics Tuebingen Variant Classification Criteria Version 2. Collection method: clinical testing. Allele origin: germline. Affected: yes. Observed: 9 variant alleles.
Comment: NF1: BP4, BS1, BS2

Labcorp Genetics (formerly Invitae), Labcorp
Classification: Benign for Neurofibromatosis, type 1. Last evaluated: 2026-02-04. Review status: criteria provided, single submitter. Criteria: Invitae Variant Classification Sherloc (09022015). Collection method: clinical testing. Allele origin: germline.

Blueprint Genetics
Classification: Likely benign. Last evaluated: 2024-11-26. Review status: criteria provided, single submitter. Criteria: ACMG Guidelines, 2015. Collection method: clinical testing. Allele origin: germline.

Quest Diagnostics Nichols Institute San Juan Capistrano
Classification: Benign. Last evaluated: 2022-02-10. Review status: criteria provided, single submitter. Criteria: Quest Diagnostics criteria. Collection method: clinical testing. Allele origin: unknown.

Sema4
Classification: Benign for Hereditary cancer-predisposing syndrome. Last evaluated: 2020-10-26. Review status: criteria provided, single submitter. Criteria: Sema4 Curation Guidelines. Collection method: curation. Allele origin: germline.

Ambry Genetics
Classification: Likely benign for Cardiovascular phenotype; Hereditary cancer-predisposing syndrome. Last evaluated: 2019-07-02. Review status: criteria provided, single submitter. Criteria: Ambry Variant Classification Scheme 2023. Collection method: clinical testing. Allele origin: germline.

GeneDx
Classification: Benign. Last evaluated: 2018-01-23. Review status: criteria provided, single submitter. Criteria: GeneDx Variant Classification (06012015). Collection method: clinical testing. Allele origin: germline. Affected: yes.
Comment: This variant is considered likely benign or benign based on one or more of the following criteria: it is a conservative change, it occurs at a poorly conserved position in the protein, it is predicted to be benign by multiple in silico algorithms, and/or has population frequency not consistent with disease.

Women's Health and Genetics/Laboratory Corporation of America, LabCorp
Classification: Benign. Last evaluated: 2017-08-16. Review status: criteria provided, single submitter. Criteria: LabCorp Variant Classification Summary - May 2015. Collection method: clinical testing. Allele origin: germline.
Comment: Variant summary: The NF1 c.3198-4T>C variant involves the alteration of a non-conserved intronic nucleotide. One in silico tool predicts a damaging outcome for this variant. 5/5 splice prediction tools predict no significant impact on normal splicing. However, these predictions have yet to be confirmed by functional studies. This variant was found in 283/181400 control chromosomes in gnomAD, predominantly observed in the African subpopulation at a frequency of 0.014668 (253/17248). This frequency is about 70 times the estimated maximal expected allele frequency of a pathogenic NF1 variant (0.0002084), suggesting this is likely a benign polymorphism found primarily in the populations of African origin. In addition, multiple clinical diagnostic laboratories/reputable databases classified this variant as benign/likely benign. The variant of interest has not, to our knowledge, been reported in affected individuals via publications; nor evaluated for functional impact by in vivo/vitro studies. Taken together, this variant is classified as benign.

Genetic Services Laboratory, University of Chicago
Classification: Likely benign. Last evaluated: 2017-05-02. Review status: criteria provided, single submitter. Criteria: ACMG Guidelines, 2015. Collection method: clinical testing. Allele origin: germline. Affected: no.

Center for Human Genetics, Inc
Classification: Uncertain significance for Neurofibromatosis, type 1. Last evaluated: 2016-11-01. Review status: criteria provided, single submitter. Criteria: ACMG Guidelines, 2015. Collection method: clinical testing. Allele origin: germline. Affected: yes.

Ambry Genetics
Classification: Likely benign for Hereditary cancer-predisposing syndrome. Last evaluated: 2015-08-29. Review status: criteria provided, single submitter. Criteria: Ambry Autosomal Dominant and X-Linked criteria (10/2015). Collection method: clinical testing. Allele origin: germline. Observed: 1 variant allele.
Comment: Co-occurence with a mutation in another gene that clearly explains a proband's phenotype;Other data supporting benign classification

NM_001042492.3(NF1):c.3198-4T>C

Gene: NF1 (neurofibromin 1; plus strand). Cytogenetic location: 17q11.2.
Variant type: single nucleotide variant.
Coding change: c.3198-4T>C on transcript NM_001042492.3 (MANE Select); 4 bases into the intron before coding-DNA position 3198, T replaced by C.
Molecular consequence: intron variant.
Genome position (GRCh38, 1-based): chr17:31,232,069, T>C. VCF-style: chr17-31232069-T-C. GRCh37 (hg19) VCF-style: chr17-29559087-T-C.
Other names: c.3198-4T>C (NM_000267.4).
Identifiers: ClinVar variation 142080 (VCV000142080.53), dbSNP rs587782218, ClinGen allele CA167351.